The following is an entry in ClinVar:

NM_001127208.3(TET2):c.2162A>T (p.His721Leu)

Genes: TET2 (tet methylcytosine dioxygenase 2; plus strand), TET2-AS1 (TET2 antisense RNA 1; minus strand). Cytogenetic location: 4q24.
Variant type: single nucleotide variant.
Coding change: c.2162A>T on transcript NM_001127208.3 (MANE Select); coding-DNA position 2162, A replaced by T.
Protein change: p.His721Leu; replaces histidine 721 with leucine.
Molecular consequence: missense variant.
Genome position (GRCh38, 1-based): chr4:105,236,104, A>T. VCF-style: chr4-105236104-A-T. GRCh37 (hg19) VCF-style: chr4-106157261-A-T.
Other names: c.2162A>T, p.His721Leu (NM_017628.4); short protein forms H721L.
Identifiers: ClinVar variation 3805893 (VCV003805893.1).
Genomic context (GRCh38, chr4:105,236,104, plus strand): 5'-AGCACTTGAATCAACAGGCTTCAGAGACTGAGCCATTTTCAAACTCACACCTTTTGCAAC[A>T]TAAGCCTCATAAACAGGCAGCACAAACACAACCATCCCAGAGTTCACATCTCCCTCAAAA-3'
Protein context (NP_001120680.1, residues 711-731): EPFSNSHLLQ[His721Leu]KPHKQAAQTQ

ClinVar aggregate classification (germline): Uncertain significance (1 of 4 stars; one submission).

Submission:

Ambry Genetics
Classification: Uncertain significance. Last evaluated: 2024-12-22. Review status: criteria provided, single submitter. Criteria: Ambry Variant Classification Scheme 2023. Collection method: clinical testing. Allele origin: germline.
Comment: The p.H721L variant (also known as c.2162A>T), located in coding exon 1 of the TET2 gene, results from an A to T substitution at nucleotide position 2162. The histidine at codon 721 is replaced by leucine, an amino acid with similar properties. This amino acid position is conserved. In addition, this alteration is predicted to be tolerated by in silico analysis. Based on the available evidence, the clinical significance of this variant remains unclear.